The following is an entry in ClinVar:

ClinVar aggregate classification (germline): Uncertain significance (1 of 4 stars; one submission).

Conditions:
Glycine encephalopathy 1 (GCE1). Identifiers: MedGen CN376801, MONDO:0958179, OMIM 605899.

gnomAD v4.1: 3 of 1,600,366 alleles (0.00019%); highest among the groups gnomAD compares: East Asian, 0.0046%; no homozygotes.

Submission:

Myriad Genetics, Inc.
Classification: Uncertain significance for Glycine encephalopathy 1. Last evaluated: 2026-03-23. Review status: criteria provided, single submitter. Criteria: Myriad Autosomal Dominant, Autosomal Recessive and X-Linked Classification Criteria (2023). Collection method: clinical testing. Allele origin: unknown.
Comment: NM_000170.2(GLDC):c.240G>C(Q80H) is a missense variant classified as a variant of uncertain significance in the context of glycine encephalopathy, GLDC-related. Q80H has not been observed in cases with relevant disease. Relevant functional assessments of this variant are not available in the literature. Q80H has not been observed in referenced population frequency databases. In summary, there is insufficient evidence to classify NM_000170.2(GLDC):c.240G>C(Q80H) as pathogenic or benign. Please note: this variant was assessed in the context of healthy population screening.

NM_000170.3(GLDC):c.240G>C (p.Gln80His)

Gene: GLDC (glycine decarboxylase; minus strand). Cytogenetic location: 9p24.1.
Variant type: single nucleotide variant.
Coding change: c.240G>C on transcript NM_000170.3 (MANE Select); coding-DNA position 240, G replaced by C.
Protein change: p.Gln80His; replaces glutamine 80 with histidine.
Molecular consequence: missense variant.
Genome position (GRCh38, 1-based): chr9:6,645,260, C>G on the plus strand (G>C on the coding strand, the complement: GLDC is on the minus strand). VCF-style: chr9-6645260-C-G. GRCh37 (hg19) VCF-style: chr9-6645260-C-G.
Other names: short protein forms Q80H.
Identifiers: ClinVar variation 5003675 (VCV005003675.1).